The following is an entry in ClinVar:

ClinVar aggregate classification (germline): Conflicting classifications of pathogenicity. Review status: criteria provided, conflicting classifications (1 of 4 stars). 2 submissions from 2 submitters: Uncertain significance (1); Likely benign (1). Last evaluated 2025-12-02.

Conditions:
Inborn genetic diseases. Identifiers: MedGen C0950123, MeSH D030342.

Allele frequency attached by ClinVar (database versions not stated): gnomAD 0.00001 and 0.00002; gnomAD exomes 0.00001 and 0.00002; ExAC 0.00002; TOPMed 0.00007.
gnomAD v4.1: 12 of 1,611,904 alleles (0.00074%); highest among the groups gnomAD compares: Admixed American, 0.012%; no homozygotes.

Submissions (2):

Labcorp Genetics (formerly Invitae), Labcorp
Classification: Uncertain significance. Last evaluated: 2025-12-02. Review status: criteria provided, single submitter. Criteria: Invitae Variant Classification Sherloc (09022015). Collection method: clinical testing. Allele origin: germline.
Comment: This sequence change replaces serine, which is neutral and polar, with leucine, which is neutral and non-polar, at codon 634 of the ASXL2 protein (p.Ser634Leu). This variant is present in population databases (rs766049052, gnomAD 0.01%). This variant has not been reported in the literature in individuals affected with ASXL2-related conditions. ClinVar contains an entry for this variant (Variation ID: 1461107). Invitae Evidence Modeling of protein sequence and biophysical properties (such as structural, functional, and spatial information, amino acid conservation, physicochemical variation, residue mobility, and thermodynamic stability) indicates that this missense variant is not expected to disrupt ASXL2 protein function with a negative predictive value of 80%. In summary, the available evidence is currently insufficient to determine the role of this variant in disease. Therefore, it has been classified as a Variant of Uncertain Significance.

Ambry Genetics
Classification: Likely benign for Inborn genetic diseases. Last evaluated: 2024-11-26. Review status: criteria provided, single submitter. Criteria: Ambry Variant Classification Scheme 2023. Collection method: clinical testing. Allele origin: germline.

NM_018263.6(ASXL2):c.1901C>T (p.Ser634Leu)

Gene: ASXL2 (ASXL transcriptional regulator 2; minus strand). Cytogenetic location: 2p23.3.
Variant type: single nucleotide variant.
Coding change: c.1901C>T on transcript NM_018263.6 (MANE Select); coding-DNA position 1901, C replaced by T.
Protein change: p.Ser634Leu; replaces serine 634 with leucine.
Molecular consequence: missense variant.
Genome position (GRCh38, 1-based): chr2:25,744,436, G>A on the plus strand (C>T on the coding strand, the complement: ASXL2 is on the minus strand). VCF-style: chr2-25744436-G-A. GRCh37 (hg19) VCF-style: chr2-25967305-G-A.
Other names: c.1727C>T, p.Ser576Leu (NM_001369346.1); c.1121C>T, p.Ser374Leu (NM_001369347.1); c.1901C>T (NM_018263.4); short protein forms S576L, S634L, S374L.
Identifiers: ClinVar variation 1461107 (VCV001461107.9), dbSNP rs766049052, ClinGen allele CA1557724.
Genomic context (GRCh38, chr2:25,744,436, plus strand): 5'-GCTCCTGTTCTGTTAGGACTAGTGATGGAGACTGGAAAACGAGCCCTGGGAGAGACCTGC[G>A]ATGGATGAAACGGCATGGGGGAGATTCTGGAGACCGGGATCTGAAAGAAGTAGAGGGGAA-3'
Protein context (NP_060733.4, residues 624-644): SRISPMPFHP[Ser634Leu]QVSPRARFPV